The following is an entry in ClinVar:

ClinVar aggregate classification (germline): Conflicting classifications of pathogenicity. Review status: criteria provided, conflicting classifications (1 of 4 stars). 2 submissions from 2 submitters: Uncertain significance (1); Likely benign (1). Last evaluated 2025-05-16.

Conditions:
Hereditary cancer-predisposing syndrome. Also called: Neoplastic Syndromes, Hereditary; Tumor predisposition; Hereditary Cancer Syndrome; Hereditary neoplastic syndrome. Identifiers: Orphanet 140162, MedGen C0027672, MeSH D009386, MONDO:0015356.
Hereditary breast ovarian cancer syndrome. Also called: Hereditary breast and ovarian cancer syndrome; Hereditary breast and ovarian cancer; Hereditary breast and ovarian cancer syndrome (HBOC); Breast and ovarian cancer; Hereditary breast and/or ovarian cancer syndrome; BRCA1- and BRCA2-Associated Hereditary Breast and Ovarian Cancer. Identifiers: Orphanet 145, MedGen C0677776, MeSH D061325, MONDO:0003582. Disease mechanism: loss of function.

Allele frequency attached by ClinVar (database versions not stated): TOPMed 0.00001.
gnomAD v4.1: 1 of 1,613,906 alleles (0.000062%); highest among the groups gnomAD compares: Admixed American, 0.0017%; no homozygotes.

Submissions (2):

Ambry Genetics
Classification: Likely benign for Hereditary cancer-predisposing syndrome. Last evaluated: 2025-05-16. Review status: criteria provided, single submitter. Criteria: Ambry Variant Classification Scheme 2023. Collection method: clinical testing. Allele origin: germline.

Labcorp Genetics (formerly Invitae), Labcorp
Classification: Uncertain significance for Hereditary breast ovarian cancer syndrome. Last evaluated: 2021-07-12. Review status: criteria provided, single submitter. Criteria: Invitae Variant Classification Sherloc (09022015). Collection method: clinical testing. Allele origin: germline.
Comment: This sequence change replaces glycine with aspartic acid at codon 3134 of the BRCA2 protein (p.Gly3134Asp). The glycine residue is moderately conserved and there is a moderate physicochemical difference between glycine and aspartic acid. This variant is not present in population databases (ExAC no frequency). This variant has not been reported in the literature in individuals with BRCA2-related conditions. ClinVar contains an entry for this variant (Variation ID: 485405). Advanced modeling of protein sequence and biophysical properties (such as structural, functional, and spatial information, amino acid conservation, physicochemical variation, residue mobility, and thermodynamic stability) performed at Invitae indicates that this missense variant is not expected to disrupt BRCA2 protein function. In summary, the available evidence is currently insufficient to determine the role of this variant in disease. Therefore, it has been classified as a Variant of Uncertain Significance.

NM_000059.4(BRCA2):c.9401G>A (p.Gly3134Asp)

Gene: BRCA2 (BRCA2 DNA repair associated; plus strand). Cytogenetic location: 13q13.1.
Variant type: single nucleotide variant.
Coding change: c.9401G>A on transcript NM_000059.4 (MANE Select); coding-DNA position 9401, G replaced by A.
Protein change: p.Gly3134Asp; replaces glycine 3134 with aspartic acid.
Molecular consequence: missense variant.
Genome position (GRCh38, 1-based): chr13:32,394,833, G>A. VCF-style: chr13-32394833-G-A. GRCh37 (hg19) VCF-style: chr13-32968970-G-A.
Other names: short protein forms G3134D.
Identifiers: ClinVar variation 485405 (VCV000485405.17), dbSNP rs80359215, ClinGen allele CA387761369.